The following is an entry in ClinVar:

NM_000478.6(ALPL):c.263A>G (p.Glu88Gly)

Gene: ALPL (alkaline phosphatase, biomineralization associated; plus strand). Cytogenetic location: 1p36.12.
Variant type: single nucleotide variant.
Coding change: c.263A>G on transcript NM_000478.6 (MANE Select); coding-DNA position 263, A replaced by G.
Protein change: p.Glu88Gly; replaces glutamic acid 88 with glycine.
Molecular consequence: missense variant. On other transcripts: intron variant (1).
Genome position (GRCh38, 1-based): chr1:21,561,178, A>G. VCF-style: chr1-21561178-A-G. GRCh37 (hg19) VCF-style: chr1-21887671-A-G.
Other names: c.263A>G, p.Glu88Gly (NM_001369803.2, NM_001369804.2, NM_001369805.2); c.66+433A>G (NM_001177520.3); c.98A>G, p.Glu33Gly (NM_001127501.4); short protein forms E33G, E88G.
Identifiers: ClinVar variation 4527401 (VCV004527401.2).
Genomic context (GRCh38, chr1:21,561,178, plus strand): 5'-CGGCTGCCCGCATCCTCAAGGGTCAGCTCCACCACAACCCTGGGGAGGAGACCAGGCTGG[A>G]GATGGACAAGTTCCCCTTCGTGGCCCTCTCCAAGGTGAGCCCCATCCCCAAGCCCAGTTC-3'
Protein context (NP_000469.3, residues 78-98): HHNPGEETRL[Glu88Gly]MDKFPFVALS

ClinVar aggregate classification (germline): Uncertain significance. Review status: criteria provided, multiple submitters, no conflicts (2 of 4 stars). 2 submissions from 2 submitters: Uncertain significance (2). Last evaluated 2026-04-23.

Submissions (2):

Women's Health and Genetics/Laboratory Corporation of America, LabCorp
Classification: Uncertain significance. Last evaluated: 2026-04-23. Review status: criteria provided, single submitter. Criteria: LabCorp Variant Classification Summary - May 2015. Collection method: clinical testing. Allele origin: germline.
Comment: Variant summary: ALPL c.263A>G (p.Glu88Gly) results in a non-conservative amino acid change in the encoded protein sequence. Algorithms developed to predict the effect of missense changes on protein structure and function all suggest that this variant is likely to be disruptive. The variant was absent in 248696 control chromosomes. The available data on variant occurrences in the general population are insufficient to allow any conclusion about variant significance. To our knowledge, no occurrence of c.263A>G in individuals affected with ALPL-related conditions and no experimental evidence demonstrating its impact on protein function have been reported. ClinVar contains an entry for this variant (Variation ID: 4527401). Based on the evidence outlined above, the variant was classified as uncertain significance.

GeneDx
Classification: Uncertain significance. Last evaluated: 2025-05-01. Review status: criteria provided, single submitter. Criteria: GeneDx Variant Classification Process June 2021. Collection method: clinical testing. Allele origin: germline. Affected: yes.
Comment: Not observed at significant frequency in large population cohorts (gnomAD); In silico analysis suggests that this missense variant does not alter protein structure/function; Has not been previously published as pathogenic or benign to our knowledge